The following is an entry in ClinVar:

NM_001735.3(C5):c.4924T>G (p.Leu1642Val)

Gene: C5 (complement C5; minus strand). Cytogenetic location: 9q33.2.
Variant type: single nucleotide variant.
Coding change: c.4924T>G on transcript NM_001735.3 (MANE Select); coding-DNA position 4924, T replaced by G.
Protein change: p.Leu1642Val; replaces leucine 1642 with valine.
Molecular consequence: missense variant.
Genome position (GRCh38, 1-based): chr9:120,952,846, A>C on the plus strand (T>G on the coding strand, the complement: C5 is on the minus strand). VCF-style: chr9-120952846-A-C. GRCh37 (hg19) VCF-style: chr9-123715124-A-C.
Other names: c.4942T>G, p.Leu1648Val (NM_001317163.2); short protein forms L1642V, L1648V.
Identifiers: ClinVar variation 1376513 (VCV001376513.6), dbSNP rs762245967, ClinGen allele CA5217016.

ClinVar aggregate classification (germline): Uncertain significance. Review status: criteria provided, multiple submitters, no conflicts (2 of 4 stars). 4 submissions from 4 submitters: Uncertain significance (4). Last evaluated 2024-01-09.

Conditions:
Eculizumab, poor response to. Identifiers: MedGen C3810402, OMIM 615749.
Complement component 5 deficiency. Also called: C5 DEFICIENCY. Identifiers: MedGen C0343047, MONDO:0012295, OMIM 609536.

Allele frequency attached by ClinVar (database versions not stated): ExAC 0.00005; gnomAD exomes 0.00005 and 0.00007; gnomAD 0.00007 and 0.00009; TOPMed 0.00007.
gnomAD v4.1: 91 of 1,613,896 alleles (0.0056%); highest among the groups gnomAD compares: Middle Eastern, 0.45%; 2 homozygotes.

Submissions (4):

Blueprint Genetics
Classification: Uncertain significance. Last evaluated: 2024-01-09. Review status: criteria provided, single submitter. Criteria: ACMG Guidelines, 2015. Collection method: clinical testing. Allele origin: germline.

Labcorp Genetics (formerly Invitae), Labcorp
Classification: Uncertain significance. Last evaluated: 2022-08-16. Review status: criteria provided, single submitter. Criteria: Invitae Variant Classification Sherloc (09022015). Collection method: clinical testing. Allele origin: germline.
Comment: This sequence change replaces leucine, which is neutral and non-polar, with valine, which is neutral and non-polar, at codon 1642 of the C5 protein (p.Leu1642Val). This variant is present in population databases (rs762245967, gnomAD 0.009%). This variant has not been reported in the literature in individuals affected with C5-related conditions. ClinVar contains an entry for this variant (Variation ID: 1376513). Algorithms developed to predict the effect of missense changes on protein structure and function (SIFT, PolyPhen-2, Align-GVGD) all suggest that this variant is likely to be tolerated. Algorithms developed to predict the effect of sequence changes on RNA splicing suggest that this variant may create or strengthen a splice site. In summary, the available evidence is currently insufficient to determine the role of this variant in disease. Therefore, it has been classified as a Variant of Uncertain Significance.

Fulgent Genetics
Classification: Uncertain significance for Complement component 5 deficiency; Eculizumab, poor response to. Last evaluated: 2022-05-09. Review status: criteria provided, single submitter. Criteria: ACMG Guidelines, 2015. Collection method: clinical testing. Allele origin: unknown.

Breakthrough Genomics
Classification: Uncertain significance. Review status: criteria provided, single submitter. Criteria: ACMG Guidelines, 2015. Collection method: not provided. Allele origin: germline. Inheritance: Autosomal recessive inheritance. Affected: yes.